The following is an entry in ClinVar:

ClinVar aggregate classification (germline): Uncertain significance (1 of 4 stars; one submission).

Allele frequency attached by ClinVar (database versions not stated): gnomAD exomes below 0.00001; ExAC 0.00001; gnomAD 0.00001.
gnomAD v4.1: 5 of 1,612,152 alleles (0.00031%); highest among the groups gnomAD compares: Non-Finnish European, 0.00042%; no homozygotes.

Submission:

Mayo Clinic Laboratories, Mayo Clinic
Classification: Uncertain significance. Last evaluated: 2023-01-13. Review status: criteria provided, single submitter. Criteria: ACMG Guidelines, 2015. Collection method: clinical testing. Allele origin: germline. Observed: 1 variant allele.
Comment: BP4

NM_007289.4(MME):c.378A>T (p.Lys126Asn)

Gene: MME (membrane metalloendopeptidase; plus strand). Cytogenetic location: 3q25.2.
Variant type: single nucleotide variant.
Coding change: c.378A>T on transcript NM_007289.4 (MANE Select); coding-DNA position 378, A replaced by T.
Protein change: p.Lys126Asn; replaces lysine 126 with asparagine.
Molecular consequence: missense variant.
Genome position (GRCh38, 1-based): chr3:155,116,498, A>T. VCF-style: chr3-155116498-A-T. GRCh37 (hg19) VCF-style: chr3-154834287-A-T.
Other names: p.Lys126Asn; c.378A>T, p.Lys126Asn (NM_000902.5, NM_001354642.2, NM_001354643.1 and 2 more transcripts); short protein forms K126N.
Identifiers: ClinVar variation 2682847 (VCV002682847.1), dbSNP rs746723545, ClinGen allele CA2675131.